The following is an entry in ClinVar:

ClinVar aggregate classification (germline): Pathogenic/Likely pathogenic. Review status: criteria provided, multiple submitters, no conflicts (2 of 4 stars). 2 submissions from 2 submitters: Pathogenic (1); Likely pathogenic (1). Last evaluated 2024-11-27.

Conditions:
Very long chain acyl-CoA dehydrogenase deficiency (ACADVLD). Also called: VLCAD Deficiency; Very Long-Chain Acyl-Coenzyme A Dehydrogenase Deficiency. Identifiers: Orphanet 26793, MedGen C3887523, MONDO:0008723, OMIM 201475.

Submissions (2):

Labcorp Genetics (formerly Invitae), Labcorp
Classification: Pathogenic for Very long chain acyl-CoA dehydrogenase deficiency. Last evaluated: 2024-11-27. Review status: criteria provided, single submitter. Criteria: Invitae Variant Classification Sherloc (09022015). Collection method: clinical testing. Allele origin: germline.
Comment: This sequence change affects a donor splice site in intron 17 of the ACADVL gene. It is expected to disrupt RNA splicing. Variants that disrupt the donor or acceptor splice site typically lead to a loss of protein function (PMID: 16199547), and loss-of-function variants in ACADVL are known to be pathogenic (PMID: 9973285, 11590124). This variant is not present in population databases (gnomAD no frequency). Disruption of this splice site has been observed in individual(s) with VLCAD deficiency (PMID: 35281659; internal data). ClinVar contains an entry for this variant (Variation ID: 2680275). Algorithms developed to predict the effect of sequence changes on RNA splicing suggest that this variant may disrupt the consensus splice site. For these reasons, this variant has been classified as Pathogenic.

Baylor Genetics
Classification: Likely pathogenic for Very long chain acyl-CoA dehydrogenase deficiency. Last evaluated: 2022-02-07. Review status: criteria provided, single submitter. Criteria: ACMG Guidelines, 2015. Collection method: clinical testing. Allele origin: unknown.

Literature cited by the submitters: PubMed 16199547 (cited by Labcorp Genetics (formerly Invitae), Labcorp); PubMed 9973285 (cited by Labcorp Genetics (formerly Invitae), Labcorp); PubMed 11590124 (cited by Labcorp Genetics (formerly Invitae), Labcorp); PubMed 35281659 (cited by Labcorp Genetics (formerly Invitae), Labcorp).

NM_000018.4(ACADVL):c.1678+1G>T

Gene: ACADVL (acyl-CoA dehydrogenase very long chain; plus strand). Cytogenetic location: 17p13.1.
Variant type: single nucleotide variant.
Coding change: c.1678+1G>T on transcript NM_000018.4 (MANE Select); the canonical splice donor site of the intron after coding-DNA position 1678, G replaced by T.
Molecular consequence: splice donor variant.
Genome position (GRCh38, 1-based): chr17:7,224,553, G>T. VCF-style: chr17-7224553-G-T. GRCh37 (hg19) VCF-style: chr17-7127872-G-T.
Other names: c.1747+1G>T (NM_001270447.2); c.1450+1G>T (NM_001270448.2); c.1612+1G>T (NM_001033859.3).
Identifiers: ClinVar variation 2680275 (VCV002680275.3), dbSNP rs113235875, ClinGen allele CA397725632.
Genomic context (GRCh38, chr17:7,224,553, plus strand): 5'-TGGAGCAGTTTGCCACTGTGGTGGAGGCCAAGCTGATAAAACACAAGAAGGGGATTGTCA[G>T]TAAGTGAGCTCTACACCATTCCGCCCCTCCCTTTCCTCTCCTTGAGACTAATGCCCCCAC-3'